The following is an entry in ClinVar:

NM_000268.4(NF2):c.966A>T (p.Lys322Asn)

Gene: NF2 (NF2, moesin-ezrin-radixin like (MERLIN) tumor suppressor; plus strand). Cytogenetic location: 22q12.2.
Variant type: single nucleotide variant.
Coding change: c.966A>T on transcript NM_000268.4 (MANE Select); coding-DNA position 966, A replaced by T.
Protein change: p.Lys322Asn; replaces lysine 322 with asparagine.
Molecular consequence: missense variant. On other transcripts: non-coding transcript variant (1), intron variant (1).
Genome position (GRCh38, 1-based): chr22:29,668,413, A>T. VCF-style: chr22-29668413-A-T. GRCh37 (hg19) VCF-style: chr22-30064402-A-T.
Other names: c.852A>T, p.Lys284Asn (NM_001407053.1, NM_001407056.1); c.843A>T, p.Lys281Asn (NM_001407054.1, NM_001407058.1, NM_181829.3); c.840A>T, p.Lys280Asn (NM_001407055.1, NM_181828.3); c.831A>T, p.Lys277Asn (NM_001407057.1, NM_001407059.1); c.966A>T, p.Lys322Asn (NM_001407060.1, NM_001407066.1, NM_016418.5 and 2 more transcripts); c.708A>T, p.Lys236Asn (NM_001407062.1); c.717A>T, p.Lys239Asn (NM_001407063.1, NM_001407064.1, NM_181830.3 and 1 more transcripts); c.432A>T, p.Lys144Asn (NM_001407065.1); and 2 more; short protein forms K144N, K239N, K236N, K245N, K280N, K277N, K281N, K284N.
Identifiers: ClinVar variation 1767720 (VCV001767720.3), dbSNP rs746175548, ClinGen allele CA036022.

ClinVar aggregate classification (germline): Conflicting classifications of pathogenicity. Review status: criteria provided, conflicting classifications (1 of 4 stars). 2 submissions from 2 submitters: Uncertain significance (1); Likely benign (1). Last evaluated 2026-01-26.

Conditions:
Neurofibromatosis, type 2 (SWNV). Also called: SCHWANNOMATOSIS, VESTIBULAR; NF2-Related Schwannomatosis; BILATERAL ACOUSTIC NEUROFIBROMATOSIS. Identifiers: Orphanet 637, MedGen C0027832, MONDO:0007039, OMIM 101000. Disease mechanism: loss of function.
Hereditary cancer-predisposing syndrome. Also called: Hereditary Cancer Syndrome; Hereditary neoplastic syndrome; Neoplastic Syndromes, Hereditary; Tumor predisposition. Identifiers: Orphanet 140162, MedGen C0027672, MeSH D009386, MONDO:0015356.

gnomAD v4.1: 6 of 1,613,820 alleles (0.00037%); highest among the groups gnomAD compares: Admixed American, 0.0067%; no homozygotes.

Submissions (2):

Labcorp Genetics (formerly Invitae), Labcorp
Classification: Uncertain significance for Neurofibromatosis, type 2. Last evaluated: 2026-01-26. Review status: criteria provided, single submitter. Criteria: Invitae Variant Classification Sherloc (09022015). Collection method: clinical testing. Allele origin: germline.
Comment: This sequence change replaces lysine, which is basic and polar, with asparagine, which is neutral and polar, at codon 322 of the NF2 protein (p.Lys322Asn). This variant is present in population databases (rs746175548, gnomAD 0.01%). This variant has not been reported in the literature in individuals affected with NF2-related conditions. ClinVar contains an entry for this variant (Variation ID: 1767720). Invitae Evidence Modeling of protein sequence and biophysical properties (such as structural, functional, and spatial information, amino acid conservation, physicochemical variation, residue mobility, and thermodynamic stability) indicates that this missense variant is expected to disrupt NF2 protein function with a positive predictive value of 80%. In summary, the available evidence is currently insufficient to determine the role of this variant in disease. Therefore, it has been classified as a Variant of Uncertain Significance.

Ambry Genetics
Classification: Likely benign for Hereditary cancer-predisposing syndrome. Last evaluated: 2022-03-31. Review status: criteria provided, single submitter. Criteria: Ambry Variant Classification Scheme 2023. Collection method: clinical testing. Allele origin: germline.